The following is an entry in ClinVar:

ClinVar aggregate classification (germline): Uncertain significance (1 of 4 stars; one submission).

Submission:

Labcorp Genetics (formerly Invitae), Labcorp
Classification: Uncertain significance. Last evaluated: 2024-02-17. Review status: criteria provided, single submitter. Criteria: Invitae Variant Classification Sherloc (09022015). Collection method: clinical testing. Allele origin: germline.
Comment: This sequence change replaces leucine, which is neutral and non-polar, with valine, which is neutral and non-polar, at codon 310 of the EMC1 protein (p.Leu310Val). This variant is not present in population databases (gnomAD no frequency). This variant has not been reported in the literature in individuals affected with EMC1-related conditions. ClinVar contains an entry for this variant (Variation ID: 1383373). Advanced modeling of protein sequence and biophysical properties (such as structural, functional, and spatial information, amino acid conservation, physicochemical variation, residue mobility, and thermodynamic stability) performed at Invitae indicates that this missense variant is not expected to disrupt EMC1 protein function with a negative predictive value of 80%. Algorithms developed to predict the effect of sequence changes on RNA splicing suggest that this variant may disrupt the consensus splice site. In summary, the available evidence is currently insufficient to determine the role of this variant in disease. Therefore, it has been classified as a Variant of Uncertain Significance.

NM_015047.3(EMC1):c.928C>G (p.Leu310Val)

Genes: EMC1 (ER membrane protein complex subunit 1; minus strand), EMC1-AS1 (EMC1 antisense RNA 1; plus strand). Cytogenetic location: 1p36.13.
Variant type: single nucleotide variant.
Coding change: c.928C>G on transcript NM_015047.3 (MANE Select); coding-DNA position 928, C replaced by G.
Protein change: p.Leu310Val; replaces leucine 310 with valine.
Molecular consequence: missense variant.
Genome position (GRCh38, 1-based): chr1:19,239,844, G>C on the plus strand (C>G on the coding strand, the complement: EMC1 is on the minus strand). VCF-style: chr1-19239844-G-C. GRCh37 (hg19) VCF-style: chr1-19566338-G-C.
Other names: c.928C>G, p.Leu310Val (NM_001271427.2, NM_001271428.2, NM_001375820.1 and 1 more transcripts); c.862C>G, p.Leu288Val (NM_001271429.2); short protein forms L310V, L288V.
Identifiers: ClinVar variation 1383373 (VCV001383373.8), dbSNP rs2151958133, ClinGen allele CA338767978.